The following is an entry in ClinVar:

ClinVar aggregate classification (germline): Uncertain significance (1 of 4 stars; one submission).

gnomAD v4.1: 3 of 1,613,980 alleles (0.00019%); highest among the groups gnomAD compares: Admixed American, 0.0017%; no homozygotes.

Submission:

Women's Health and Genetics/Laboratory Corporation of America, LabCorp
Classification: Uncertain significance. Last evaluated: 2023-04-27. Review status: criteria provided, single submitter. Criteria: LabCorp Variant Classification Summary - May 2015. Collection method: clinical testing. Allele origin: germline.
Comment: Variant summary: GUSB c.1135A>G (p.Asn379Asp) results in a conservative amino acid change to a highly conserved residue (HGMD) located in the Glycoside hydrolase family 2, catalytic domain (IPR006103) of the encoded protein sequence. Four of five in-silico tools predict a damaging effect of the variant on protein function. The variant allele was found at a frequency of 1.2e-05 in 251366 control chromosomes (gnomAD). c.1135A>G has been reported in the literature in an individual affected with Mucopolysaccharidosis Type VII (Kubaski_2017). These data indicate that the variant may be associated with disease. To our knowledge, no experimental evidence demonstrating an impact on protein function has been reported. The following publication has been ascertained in the context of this evaluation (PMID: 28207930). No submitters have provided clinical-significance assessments for this variant to ClinVar after 2014. Based on the evidence outlined above, the variant was classified as VUS-possibly pathogenic.

Literature cited by the submitters: PubMed 28207930.

NM_000181.4(GUSB):c.1135A>G (p.Asn379Asp)

Gene: GUSB (glucuronidase beta; minus strand). Cytogenetic location: 7q11.21.
Variant type: single nucleotide variant.
Coding change: c.1135A>G on transcript NM_000181.4 (MANE Select); coding-DNA position 1135, A replaced by G.
Protein change: p.Asn379Asp; replaces asparagine 379 with aspartic acid.
Molecular consequence: missense variant. On other transcripts: non-coding transcript variant (1).
Genome position (GRCh38, 1-based): chr7:65,974,635, T>C on the plus strand (A>G on the coding strand, the complement: GUSB is on the minus strand). VCF-style: chr7-65974635-T-C. GRCh37 (hg19) VCF-style: chr7-65439622-T-C.
Other names: c.697A>G, p.Asn233Asp (NM_001284290.2); c.565A>G, p.Asn189Asp (NM_001293104.2); c.478A>G, p.Asn160Asp (NM_001293105.2); c.1135A>G (NM_000181.3); short protein forms N160D, N189D, N233D, N379D.
Identifiers: ClinVar variation 2503897 (VCV002503897.1), dbSNP rs1207640167, ClinGen allele CA367644093.